The following is an entry in ClinVar:

NM_001292063.2(OTOG):c.6929G>A (p.Arg2310His)

Gene: OTOG (otogelin; plus strand). Cytogenetic location: 11p15.1.
Variant type: single nucleotide variant.
Coding change: c.6929G>A on transcript NM_001292063.2 (MANE Select); coding-DNA position 6929, G replaced by A.
Protein change: p.Arg2310His; replaces arginine 2310 with histidine.
Molecular consequence: missense variant.
Genome position (GRCh38, 1-based): chr11:17,631,918, G>A. VCF-style: chr11-17631918-G-A. GRCh37 (hg19) VCF-style: chr11-17653465-G-A.
Other names: c.6965G>A, p.Arg2322His (NM_001277269.2); c.6965G>A (NM_001277269.1); short protein forms R2322H, R2310H.
Identifiers: ClinVar variation 4910940 (VCV004910940.2).

ClinVar aggregate classification (germline): Uncertain significance. Review status: criteria provided, multiple submitters, no conflicts (2 of 4 stars). 2 submissions from 2 submitters: Uncertain significance (2). Last evaluated 2025-06-16.

Conditions:
OTOG-related disorder. Also called: OTOG-related condition.

gnomAD v4.1: 13 of 1,549,450 alleles (0.00084%); highest among the groups gnomAD compares: Admixed American, 0.0078%; no homozygotes.

Submissions (2):

PreventionGenetics, part of Exact Sciences
Classification: Uncertain significance for OTOG-related condition. Last evaluated: 2025-06-16. Review status: criteria provided, single submitter. Criteria: ACMG Guidelines, 2015. Collection method: clinical testing. Allele origin: germline.
Comment: The OTOG c.6965G>A variant is predicted to result in the amino acid substitution p.Arg2322His. To our knowledge, this variant has not been reported in the literature. This variant is reported in 0.012% of alleles in individuals of Latino descent in gnomAD. At this time, the clinical significance of this variant is uncertain due to the absence of conclusive functional and genetic evidence.

Blueprint Genetics
Classification: Uncertain significance. Last evaluated: 2021-12-16. Review status: criteria provided, single submitter. Criteria: ACMG Guidelines, 2015. Collection method: clinical testing. Allele origin: germline.